The following is an entry in ClinVar:

ClinVar aggregate classification (germline): Uncertain significance (1 of 4 stars; one submission).

Conditions:
Familial thoracic aortic aneurysm and aortic dissection (TAAD). Also called: Thoracic aortic aneurysms and dissections. Identifiers: Orphanet 91387, MedGen C4707243, MONDO:0019625.

gnomAD v4.1: 1 of 1,614,072 alleles (0.000062%); highest among the groups gnomAD compares: East Asian, 0.0022%; no homozygotes.

Submission:

Ambry Genetics
Classification: Uncertain significance for Familial thoracic aortic aneurysm and aortic dissection. Last evaluated: 2024-10-21. Review status: criteria provided, single submitter. Criteria: Ambry Variant Classification Scheme 2023. Collection method: clinical testing. Allele origin: germline.
Comment: The p.A56S variant (also known as c.166G>T), located in coding exon 1 of the PRKG1 gene, results from a G to T substitution at nucleotide position 166. The alanine at codon 56 is replaced by serine, an amino acid with similar properties. This amino acid position is conserved. In addition, this alteration is predicted to be tolerated by in silico analysis. Based on the available evidence, the clinical significance of this variant remains unclear.

NM_006258.4(PRKG1):c.166G>T (p.Ala56Ser)

Gene: PRKG1 (protein kinase cGMP-dependent 1; plus strand). Cytogenetic location: 10q11.23.
Variant type: single nucleotide variant.
Coding change: c.166G>T on transcript NM_006258.4 (MANE Select); coding-DNA position 166, G replaced by T.
Protein change: p.Ala56Ser; replaces alanine 56 with serine.
Molecular consequence: missense variant. On other transcripts: intron variant (1).
Genome position (GRCh38, 1-based): chr10:51,074,756, G>T. VCF-style: chr10-51074756-G-T. GRCh37 (hg19) VCF-style: chr10-52834516-G-T.
Other names: c.166G>T, p.Ala56Ser (NM_001374782.1); c.267-78408G>T (NM_001098512.3); short protein forms A56S.
Identifiers: ClinVar variation 3425445 (VCV003425445.1).